The following is an entry in ClinVar:

NM_003465.3(CHIT1):c.1049_1072dup (p.Trp358Ter)

Gene: CHIT1 (chitinase 1; minus strand). Cytogenetic location: 1q32.1.
Variant type: Duplication.
Coding change: c.1049_1072dup on transcript NM_003465.3 (MANE Select); coding-DNA positions 1049 to 1072, 24 bases duplicated (AGGGACTGGGCGGGGCCATGGTCT).
Protein change: p.Trp358Ter; replaces tryptophan 358 with a stop codon.
Molecular consequence: nonsense. On other transcripts: non-coding transcript variant (2).
Genome position (GRCh38, 1-based): chr1:203,217,823-203,217,846, AGACCATGGCCCCGCCCAGTCCCT duplicated on the plus strand (AGGGACTGGGCGGGGCCATGGTCT on the coding strand, the reverse complement: CHIT1 is on the minus strand). VCF-style (leftmost placement, unchanged base first): chr1-203217822-C-CAGACCATGGCCCCGCCCAGTCCCT. GRCh37 (hg19) VCF-style: chr1-203186950-C-CAGACCATGGCCCCGCCCAGTCCCT.
Other names: c.992_1015dup, p.Trp339Ter (NM_001256125.2); c.1049_1072dupAGGGACTGGGCGGGGCCATGGTCT (NM_003465.2); short protein forms W339*, W358*.
Identifiers: ClinVar variation 294920 (VCV000294920.17), dbSNP rs3831317, ClinGen allele CA1339675.

ClinVar aggregate classification (germline): Benign. Review status: criteria provided, multiple submitters, no conflicts (2 of 4 stars). 4 submissions from 4 submitters: Benign (3). 1 of the submissions does not count toward it. Last evaluated 2022-11-04.

Conditions:
Chitotriosidase deficiency (CHITD). Identifiers: MedGen C3279902, OMIM 614122, MONDO:0013586.

Allele frequency attached by ClinVar (database versions not stated): gnomAD 0.16576 and 0.18228; gnomAD exomes 0.21977; ExAC 0.23089; 1000 Genomes Project 30x 0.27686; 1000 Genomes Project 0.28914.

Submissions (4):

Revvity Omics, Revvity
Classification: Benign for Chitotriosidase deficiency. Last evaluated: 2022-11-04. Review status: criteria provided, single submitter. Criteria: ACMG Guidelines, 2015. Collection method: clinical testing. Allele origin: germline.

Dubai Health Genomic Medicine Center, Dubai Health
Classification: Benign for Chitotriosidase deficiency. Last evaluated: 2020-01-06. Review status: criteria provided, single submitter. Criteria: ACMG Guidelines, 2015. Collection method: clinical testing. Allele origin: germline. Affected: yes.

Labcorp Genetics (formerly Invitae), Labcorp
Classification: Benign for Chitotriosidase deficiency. Last evaluated: 2019-12-30. Review status: criteria provided, single submitter. Criteria: Invitae Variant Classification Sherloc (09022015). Collection method: clinical testing. Allele origin: germline.

OMIM
Classification: Affects for CHITOTRIOSIDASE DEFICIENCY. Last evaluated: 2007-09-01. Review status: no assertion criteria provided. Collection method: literature only. Allele origin: germline. Not counted in ClinVar's aggregate classification.

Literature cited by the submitters: PubMed 9748235 (cited by OMIM); PubMed 17464953 (cited by OMIM).